The following is an entry in ClinVar:

NM_000382.3(ALDH3A2):c.563C>T (p.Ala188Val)

Gene: ALDH3A2 (aldehyde dehydrogenase 3 family member A2; plus strand). Cytogenetic location: 17p11.2.
Variant type: single nucleotide variant.
Coding change: c.563C>T on transcript NM_000382.3 (MANE Select); coding-DNA position 563, C replaced by T.
Protein change: p.Ala188Val; replaces alanine 188 with valine.
Molecular consequence: missense variant. On other transcripts: 5 prime UTR variant (1).
Genome position (GRCh38, 1-based): chr17:19,656,457, C>T. VCF-style: chr17-19656457-C-T. GRCh37 (hg19) VCF-style: chr17-19559770-C-T.
Other names: c.563C>T, p.Ala188Val (NM_001031806.2, NM_001369136.1, NM_001369137.2 and 3 more transcripts); c.-17C>T (NM_001369148.2); short protein forms A188V.
Identifiers: ClinVar variation 322210 (VCV000322210.48), dbSNP rs115977487, ClinGen allele CA8442851.
Genomic context (GRCh38, chr17:19,656,457, plus strand): 5'-AGGAAACCACGGAGCTCCTGAAGCAGCGATTTGACCACATTTTCTATACGGGAAACACTG[C>T]GGTTGGCAAAATTGTCATGGAAGCTGCTGCCAAGCATCTGACCCCTGTGACTCTTGAACT-3'
Protein context (NP_000373.1, residues 178-198): FDHIFYTGNT[Ala188Val]VGKIVMEAAA

ClinVar aggregate classification (germline): Benign/Likely benign. Review status: criteria provided, multiple submitters, no conflicts (2 of 4 stars). 10 submissions from 10 submitters: Benign (3); Likely benign (6). 1 of the submissions does not count toward it. Last evaluated 2026-06-01.

Conditions:
Sjögren-Larsson syndrome (SLS). Also called: FALDH DEFICIENCY; FATTY ALCOHOL:NAD+ OXIDOREDUCTASE DEFICIENCY; FATTY ALDEHYDE DEHYDROGENASE DEFICIENCY; ICHTHYOSIS, SPASTIC NEUROLOGIC DISORDER, AND OLIGOPHRENIA. Identifiers: Orphanet 816, MedGen C0037231, MONDO:0010031, OMIM 270200.

Allele frequency attached by ClinVar (database versions not stated): gnomAD exomes 0.00117 and 0.00290; ExAC 0.00363; ESP Exome Variant Server 0.01084; gnomAD 0.01152 and 0.01228; TOPMed 0.01249; 1000 Genomes Project 30x 0.01265; 1000 Genomes Project 0.01338.
gnomAD v4.1: 3,551 of 1,614,066 alleles (0.22%); highest among the groups gnomAD compares: African/African-American, 3.9%; 62 homozygotes.

Submissions (10):

CeGaT Center for Human Genetics Tuebingen
Classification: Likely benign. Last evaluated: 2026-06-01. Review status: criteria provided, single submitter. Criteria: CeGaT Center For Human Genetics Tuebingen Variant Classification Criteria Version 2. Collection method: clinical testing. Allele origin: germline. Affected: yes. Observed: 4 variant alleles.
Comment: ALDH3A2: BP4

Labcorp Genetics (formerly Invitae), Labcorp
Classification: Benign. Last evaluated: 2026-02-02. Review status: criteria provided, single submitter. Criteria: Invitae Variant Classification Sherloc (09022015). Collection method: clinical testing. Allele origin: germline.

Genomic Medicine Center of Excellence, King Faisal Specialist Hospital and Research Centre
Classification: Likely benign. Last evaluated: 2025-08-18. Review status: criteria provided, single submitter. Criteria: ACMG Guidelines, 2015. Collection method: clinical testing. Allele origin: germline.

Fulgent Genetics
Classification: Likely benign for Sjögren-Larsson syndrome. Last evaluated: 2022-05-12. Review status: criteria provided, single submitter. Criteria: ACMG Guidelines, 2015. Collection method: clinical testing. Allele origin: unknown.

Women's Health and Genetics/Laboratory Corporation of America, LabCorp
Classification: Likely benign. Last evaluated: 2021-12-10. Review status: criteria provided, single submitter. Criteria: LabCorp Variant Classification Summary - May 2015. Collection method: clinical testing. Allele origin: germline.

GeneDx
Classification: Benign. Last evaluated: 2021-05-18. Review status: criteria provided, single submitter. Criteria: GeneDx Variant Classification Process June 2021. Collection method: clinical testing. Allele origin: germline. Affected: yes.
Comment: This variant is associated with the following publications: (PMID: 31388754)

Illumina Laboratory Services, Illumina
Classification: Benign for Sjögren-Larsson syndrome. Last evaluated: 2018-01-12. Review status: criteria provided, single submitter. Criteria: ICSL Variant Classification Criteria 13 December 2019. Collection method: clinical testing. Allele origin: germline.
Comment: This variant was observed in the ICSL laboratory as part of a predisposition screen in an ostensibly healthy population. It had not been previously curated by ICSL or reported in the Human Gene Mutation Database (HGMD: prior to June 1st, 2018), and was therefore a candidate for classification through an automated scoring system. Utilizing variant allele frequency, disease prevalence and penetrance estimates, and inheritance mode, an automated score was calculated to assess if this variant is too frequent to cause the disease. Based on the score and internal cut-off values, a variant classified as benign is not then subjected to further curation. The score for this variant resulted in a classification of benign for this disease.

Center for Pediatric Genomic Medicine, Children's Mercy Hospital and Clinics
Classification: Likely benign. Last evaluated: 2017-04-24. Review status: criteria provided, single submitter. Criteria: ACMG Guidelines, 2015. Collection method: clinical testing. Allele origin: germline.

Breakthrough Genomics
Classification: Likely benign. Review status: criteria provided, single submitter. Criteria: ACMG Guidelines, 2015. Collection method: not provided. Allele origin: germline. Inheritance: Autosomal recessive inheritance. Affected: yes.

Mayo Clinic Laboratories, Mayo Clinic
Classification: Likely benign. Last evaluated: 2016-02-29. Review status: no assertion criteria provided. Collection method: clinical testing. Allele origin: unknown. Not counted in ClinVar's aggregate classification.